The following is an entry in ClinVar:

ClinVar aggregate classification (germline): drug response. Review status: reviewed by expert panel (3 of 4 stars). 3 submissions from 3 submitters: drug response (1). 2 of the submissions do not count toward it. Last evaluated 2021-03-24.

Conditions:
warfarin response - Dosage. Identifiers: MedGen CN322729.

Allele frequency attached by ClinVar (database versions not stated): gnomAD 0.65079 and 0.65429; 1000 Genomes Project 0.60962; TOPMed 0.64090; 1000 Genomes Project 30x 0.62024.

Submissions (3):

ClinPGx
Classification: drug response for warfarin response - Dosage. Last evaluated: 2021-03-24. Review status: reviewed by expert panel. Criteria: Pharmacogenomics knowledge for personalized medicine. Collection method: curation. Allele origin: germline. Affected: yes.
Comment: PharmGKB Level of Evidence 1B: Level 1B clinical annotations describe variant-drug combinations with a high level of evidence supporting the association but no variant-specific prescribing guidance in an annotated clinical guideline or FDA drug label. Level 1B clinical annotations must be supported by at least two independent publications.

Labcorp Genetics (formerly Invitae), Labcorp
Classification: Benign. Last evaluated: 2025-06-26. Review status: criteria provided, single submitter. Criteria: Invitae Variant Classification Sherloc (09022015). Collection method: clinical testing. Allele origin: germline. Not counted in ClinVar's aggregate classification.

GeneDx
Classification: Benign. Last evaluated: 2018-03-13. Review status: criteria provided, single submitter. Criteria: GeneDx Variant Classification (06012015). Collection method: clinical testing. Allele origin: germline. Affected: yes. Not counted in ClinVar's aggregate classification.
Comment: This variant is considered likely benign or benign based on one or more of the following criteria: it is a conservative change, it occurs at a poorly conserved position in the protein, it is predicted to be benign by multiple in silico algorithms, and/or has population frequency not consistent with disease.

Literature cited by the submitters: PubMed 15883587 (cited by ClinPGx); PubMed 16270629 (cited by ClinPGx); PubMed 16611750 (cited by ClinPGx); PubMed 18030307 (cited by ClinPGx); PubMed 18322281 (cited by ClinPGx); PubMed 18466099 (cited by ClinPGx); PubMed 18574025 (cited by ClinPGx); PubMed 19752777 (cited by ClinPGx); PubMed 20128861 (cited by ClinPGx); PubMed 20203262 (cited by ClinPGx); PubMed 21326313 (cited by ClinPGx); PubMed 24019055 (cited by ClinPGx).

NM_024006.6(VKORC1):c.283+837T>C

Gene: VKORC1 (vitamin K epoxide reductase complex subunit 1; minus strand). Cytogenetic location: 16p11.2.
Variant type: single nucleotide variant.
Coding change: c.283+837T>C on transcript NM_024006.6 (MANE Select); 837 bases into the intron after coding-DNA position 283, T replaced by C.
Molecular consequence: intron variant.
Genome position (GRCh38, 1-based): chr16:31,092,475, A>G on the plus strand (T>C on the coding strand, the complement: VKORC1 is on the minus strand). VCF-style: chr16-31092475-A-G. GRCh37 (hg19) VCF-style: chr16-31103796-A-G.
Other names: c.174-1133T>C (NM_206824.3); c.367+308T>C (NM_001311311.2).
Identifiers: ClinVar variation 225975 (VCV000225975.5), dbSNP rs2359612, ClinGen allele CA10576178.
Genomic context (GRCh38, chr16:31,092,475, plus strand): 5'-CTGAGCAATAAAATTTCTTAAATAAATCGGCCAAGTCTGAACCATGTGTCAGCCAGGACC[A>G]TGGTGCTGGGCCTCCCTCAGTGATGCCTTCTCTGGAGCTGGGAAGGGTGACTCAAAGGGA-3'